The following is an entry in ClinVar:

ClinVar aggregate classification (germline): Conflicting classifications of pathogenicity. Review status: criteria provided, conflicting classifications (1 of 4 stars). 2 submissions from 2 submitters: Uncertain significance (1); Likely benign (1). Last evaluated 2026-08-04.

Conditions:
Hereditary cancer-predisposing syndrome. Also called: Tumor predisposition; Hereditary neoplastic syndrome; Neoplastic Syndromes, Hereditary; Hereditary Cancer Syndrome. Identifiers: Orphanet 140162, MedGen C0027672, MeSH D009386, MONDO:0015356.
Cardiovascular phenotype. Identifiers: MedGen CN230736.
Neurofibromatosis, type 1 (NF1). Also called: VON RECKLINGHAUSEN DISEASE; NEUROFIBROMATOSIS, TYPE I, SOMATIC; Peripheral type neurofibromatosis; Neurofibromatosis, type I. Identifiers: Orphanet 636, MedGen C0027831, MONDO:0018975, OMIM 162200. Disease mechanism: loss of function.

Allele frequency attached by ClinVar (database versions not stated): TOPMed below 0.00001.

Submissions (2):

Ambry Genetics
Classification: Likely benign for Cardiovascular phenotype; Hereditary cancer-predisposing syndrome. Last evaluated: 2026-08-04. Review status: criteria provided, single submitter. Criteria: Ambry Variant Classification Scheme 2023. Collection method: clinical testing. Allele origin: germline.

Labcorp Genetics (formerly Invitae), Labcorp
Classification: Uncertain significance for Neurofibromatosis, type 1. Last evaluated: 2025-04-27. Review status: criteria provided, single submitter. Criteria: Invitae Variant Classification Sherloc (09022015). Collection method: clinical testing. Allele origin: germline.
Comment: This sequence change replaces histidine, which is basic and polar, with leucine, which is neutral and non-polar, at codon 2571 of the NF1 protein (p.His2571Leu). This variant is not present in population databases (gnomAD no frequency). This variant has not been reported in the literature in individuals affected with NF1-related conditions. ClinVar contains an entry for this variant (Variation ID: 827216). Invitae Evidence Modeling of protein sequence and biophysical properties (such as structural, functional, and spatial information, amino acid conservation, physicochemical variation, residue mobility, and thermodynamic stability) indicates that this missense variant is not expected to disrupt NF1 protein function with a negative predictive value of 95%. In summary, the available evidence is currently insufficient to determine the role of this variant in disease. Therefore, it has been classified as a Variant of Uncertain Significance.

NM_001042492.3(NF1):c.7775A>T (p.His2592Leu)

Gene: NF1 (neurofibromin 1; plus strand). Cytogenetic location: 17q11.2.
Variant type: single nucleotide variant.
Coding change: c.7775A>T on transcript NM_001042492.3 (MANE Select); coding-DNA position 7775, A replaced by T.
Protein change: p.His2592Leu; replaces histidine 2592 with leucine.
Molecular consequence: missense variant.
Genome position (GRCh38, 1-based): chr17:31,356,996, A>T. VCF-style: chr17-31356996-A-T. GRCh37 (hg19) VCF-style: chr17-29684014-A-T.
Other names: c.7712A>T, p.His2571Leu (NM_000267.4); short protein forms H2592L, H2571L.
Identifiers: ClinVar variation 827216 (VCV000827216.6), dbSNP rs1597866394, ClinGen allele CA399018428.
Genomic context (GRCh38, chr17:31,356,996, plus strand): 5'-CGTTAATTCCCTATCTTGCTGCAGAAACTCAGAGGATTTCCTCATCACAACAGCACCCAC[A>T]TTTACGTAAAGTTTCAGTGTCTGAATCAAATGTTCTCTTGGATGAAGAAGTACTTACTGA-3'
Protein context (NP_001035957.1, residues 2582-2602): QRISSSQQHP[His2592Leu]LRKVSVSESN